The following is an entry in ClinVar:

NM_000517.6(HBA2):c.*92A>G

Genes: HBA2 (hemoglobin subunit alpha 2; plus strand), LOC106804612 (hemoglobin subunit alpha 2 recombination region; plus strand). Cytogenetic location: 16p13.3.
Variant type: single nucleotide variant.
Coding change: c.*92A>G on transcript NM_000517.6 (MANE Select); 92 bases downstream of the stop codon, A replaced by G.
Molecular consequence: 3 prime UTR variant.
Genome position (GRCh38, 1-based): chr16:173,692, A>G. VCF-style: chr16-173692-A-G. GRCh37 (hg19) VCF-style: chr16-223691-A-G.
Other names: 3-UNT, A-G, +4; c.*92A>G (NM_000517.5).
Identifiers: ClinVar variation 15647 (VCV000015647.29), dbSNP rs63750067, ClinGen allele CA125586.
Genomic context (GRCh38, chr16:173,692, plus strand): 5'-GCTGGGCCTCCCAACGGGCCCTCCTCCCCTCCTTGCACCGGCCCTTCCTGGTCTTTGAAT[A>G]AAGTCTGAGTGGGCAGCAGCCTGTGTGTGCCTGGGTTCTCTCTATCCCGGAATGTGCCAA-3'

ClinVar aggregate classification (germline): Pathogenic. Review status: reviewed by expert panel (3 of 4 stars). 13 submissions from 12 submitters: Pathogenic (1). 12 of the submissions do not count toward it. Last evaluated 2026-04-08.

Conditions:
HBA2-related disorders.
Heinz body anemia. Also called: Heinz body hemolytic anemia. Identifiers: Orphanet 178330, MedGen C0700299, MONDO:0007705, OMIM 140700, HP:0005511.
Hemoglobin H disease (HBH). Also called: Hemoglobin H (HbH) Disease; ALPHA-THALASSEMIA, HEMOGLOBIN H TYPE; HEMOGLOBIN H DISEASE, DELETIONAL. Identifiers: Orphanet 93616, MedGen C3161174, MONDO:0013512, OMIM 613978. Disease mechanism: loss of function.
alpha Thalassemia. Also called: Alpha thalassemia spectrum. Identifiers: Orphanet 846, MedGen C0002312, MONDO:0011399, OMIM 604131.
Erythrocytosis, familial, 7. Also called: ERYTHROCYTOSIS 7; ERYTHROCYTOSIS, ALPHA-GLOBIN TYPE; POLYCYTHEMIA, ALPHA-GLOBIN TYPE. Identifiers: MedGen C4693823, MONDO:0054802, OMIM 617981.
Hemoglobin H disease, nondeletional. Identifiers: MedGen C3279561.
Alpha-thalassemia-2, nondeletional. Identifiers: MedGen C4016148.
beta Thalassemia (BTHAL). Also called: Cooley's anemia; Erythroblastic anemia; Mediterranean anemia. Identifiers: Orphanet 848, MedGen C0005283, MONDO:0019402. Disease mechanism: loss of function.
HBA2-related alpha thalassemia spectrum. Identifiers: MedGen CN377749, MONDO:0100562.

Allele frequency attached by ClinVar (database versions not stated): TOPMed 0.00001; gnomAD 0.00002 and 0.00003; gnomAD exomes 0.00003.

Submissions (13):

ClinGen Hemoglobinopathy Variant Curation Expert Panel, ClinGen
Classification: Pathogenic for HBA2-related alpha thalassemia spectrum. Last evaluated: 2026-04-08. Review status: reviewed by expert panel. Criteria: ClinGen Hb Opathy ACMG Specifications HBA2 V1.0.0. Collection method: curation. Allele origin: germline. Inheritance: Autosomal recessive inheritance.
Comment: The c.*92A>G (NM_000517.6) variant in HBA2 is a 3’UTR variant located in the polyA site (AATAAA region required for cleavage and polyadenylation of pre-mRNAs), which is defined as a mutational hotspot and/or critical functional domain by the ClinGen Hemoglobinopathy VCEP [PM1]. It has been detected in 12 individuals with HbH disease, all compound heterozygous for the variant and a pathogenic α0 variant, with 8 confirmed in trans by family testing and DNA studies. Total PM3 points are 10 [PM3_VS; PMID: 11410420; 7734346; 1581238; Department of Medical Genetics, National and Kapodistrian University of Athens]. This variant has been reported to segregate with HbH disease in 6 affected family members from 3 families. The number of unaffected segregations is 2. The LOD score is 3.86 [PP1_S; PMID: 11410420; 1581238]. This variant has been reported in 13 unrelated individuals with a hematological phenotype consistent with alpha-thalassaemia trait (reduced MCV and MCH with normal or increased RBC count), giving a total score of 2.35 [PS4_M; The Hemoglobinopathies Laboratory, Department of Human and Clinical Genetics, Leiden University Medical Center; Department of Medical Genetics, National and Kapodistrian University of Athens; Molecular Genetics Laboratory, Hamilton Regional Laboratory Medicine Program, Hamilton Health Sciences; Blood Disorder Genetics and Thalassemia Department, The Cyprus Institute of Neurology and Genetic]. The minor allele frequency in gnomAD v4.1 is 0.00003826 (59/1542178 alleles), which is lower than the ClinGen Hemoglobinopathy VCEP threshold <0.0001 for PM2_Supporting, and therefore meets this criterion [PM2_P]. In summary, this variant meets the criteria to be classified as pathogenic for recessive HBA2-related alpha thalassemia spectrum (MONDO:0100562) based on the ACMG/AMP criteria applied, as specified by the ClinGen Hemoglobinopathy VCEP (specification version 1.0.0): PM3_VS, PP1_S, PM1, PS4_M, PM2_P

Natera, Inc.
Classification: Pathogenic for Alpha thalassemia. Last evaluated: 2025-11-24. Review status: criteria provided, single submitter. Criteria: Natera Variant Classification Schema (03/2026). Collection method: clinical testing. Allele origin: germline. Not counted in ClinVar's aggregate classification.
Comment: The c.*92A>G variant in HBA2 is a 3' untranslated region (UTR) variant located downstream of the translation stop codon. This variant is rare in the general population with a frequency below the threshold expected for the associated phenotype(s). This variant has been observed in one or more individuals affected with the associated recessive disease, as either homozygous or compound heterozygous with a second variant (PMID: 31273613, 31304855, 31755088, 33059634). Given the available evidence, this variant is classified as Pathogenic.

ARUP Laboratories, Molecular Genetics and Genomics, ARUP Laboratories
Classification: Pathogenic. Last evaluated: 2025-07-29. Review status: criteria provided, single submitter. Criteria: ARUP Molecular Germline Variant Investigation Process 2024. Collection method: clinical testing. Allele origin: germline. Not counted in ClinVar's aggregate classification.
Comment: The PolyA (A->G) variant (HBA2: c.*92A>G, rs63750067, HbVar ID: 1071), has been reported in multiple families with Hb H disease when homozygous or in-trans with a double gene deletion (Ma 2001, Thein 1988, Yuregir 1992, HbVar database and references therein). This variant is also reported in ClinVar (Variation ID: 15647). This variant is only observed on one allele in the Genome Aggregation Database(v2.1.1), indicating it is not a common polymorphism. The variant is located in the polyadenylation signal of HBA2, and is predicted to reduce the efficiency of polyadenylation of the globin transcript. Based on available information, this variant is considered to be pathogenic. References: Link to HbVar database: Ma ES et al. Interaction between (--SEA) alpha-thalassemia deletion and uncommon non-deletional alpha-globin gene mutations in Chinese patients. Haematologica. 2001 May;86(5):539-40. PMID: 11410420. Thein SL et al. The polyadenylation site mutation in the alpha-globin gene cluster. Blood. 1988 Feb;71(2):313-9. PMID: 3337900. Yuregir G et al. Hb H disease in a Turkish family resulting from the interaction of a deletional alpha-thalassaemia-1 and a newly discovered poly A mutation. Br J Haematol. 1992; 80(4):527-32. PMID: 1581238.

Revvity Omics, Revvity
Classification: Pathogenic. Last evaluated: 2025-06-20. Review status: criteria provided, single submitter. Criteria: ACMG Guidelines, 2015. Collection method: clinical testing. Allele origin: germline. Not counted in ClinVar's aggregate classification.

GeneDx
Classification: Pathogenic. Last evaluated: 2024-12-24. Review status: criteria provided, single submitter. Criteria: GeneDx Variant Classification Process June 2021. Collection method: clinical testing. Allele origin: germline. Affected: yes. Not counted in ClinVar's aggregate classification.
Comment: Also known as Poly A2, poly(A), and poly A signal variant; Located in a regulatory region; in the absence of functional studies, the actual effect of this sequence change is unknown; This variant is associated with the following publications: (PMID: 37644014, 34272389, 1581238, 34426522, 3337900, 29627922, 27199182, 11410420, 7734346, 31286593, 7701914, 1281602, 37745687)

Blueprint Genetics
Classification: Likely pathogenic for HBA2-related disorders. Last evaluated: 2024-06-25. Review status: criteria provided, single submitter. Criteria: ACMG Guidelines, 2015. Collection method: clinical testing. Allele origin: germline. Affected: yes. Observed: 5 variant alleles. Not counted in ClinVar's aggregate classification.

Fulgent Genetics
Classification: Pathogenic for Heinz body anemia; alpha Thalassemia; Hemoglobin H disease; Erythrocytosis, familial, 7. Last evaluated: 2024-04-24. Review status: criteria provided, single submitter. Criteria: ACMG Guidelines, 2015. Collection method: clinical testing. Allele origin: germline. Not counted in ClinVar's aggregate classification.

Genomic Medicine Center of Excellence, King Faisal Specialist Hospital and Research Centre
Classification: Likely pathogenic for Hemoglobin H disease. Last evaluated: 2024-03-25. Review status: criteria provided, single submitter. Criteria: ACMG Guidelines, 2015. Collection method: clinical testing. Allele origin: germline. Not counted in ClinVar's aggregate classification.

Quest Diagnostics Nichols Institute San Juan Capistrano
Classification: Pathogenic. Last evaluated: 2023-08-10. Review status: criteria provided, single submitter. Criteria: Quest Diagnostics criteria. Collection method: clinical testing. Allele origin: unknown. Not counted in ClinVar's aggregate classification.
Comment: This pathogenic variant changes the polyadenylation signal of the alpha2-globin gene from AATAAA to AATGAA and is associated with alpha-thalassemia. In the published literature, this variant has been reported in individuals with alpha thalassemia (PMID: 29627922 (2018)) and Hb H disease as homozygous and compound heterozygous with other pathogenic alpha-globin variants (PMIDs: 11410420 (2001), 7734346 (1995), 7701914 (1994), 1581238 (1992), 1281602 (1992)). Functional studies report this variant results nonfunctional and unstable mRNA (PMIDs: 1581238 (1992), 1281602 (1992)). Based on the available information, the variant is classified as pathogenic.

Laboratory for Molecular Medicine, Mass General Brigham Personalized Medicine
Classification: Pathogenic for beta Thalassemia. Last evaluated: 2022-11-03. Review status: criteria provided, single submitter. Criteria: ACMG Guidelines, 2015. Collection method: clinical testing. Allele origin: germline. Not counted in ClinVar's aggregate classification.
Comment: The c.*92A>G variant in HBA2, has been reported in multiple families with Hb H disease (both in the homozygous and in the compound heterozygous state (in trans with a double gene deletion) (selected references: Ma 2001 PMID: 11410420, Thein 1988 PMID: 3337900, Yuregir 1992 PMID: 1581238, HbVar database). This variant has also been reported in ClinVar (Variation ID: 15647). This variant has been identified in 2/68002 European and in 2/4630 South Asian chromosomes by gnomAD. The variant is located in the polyadenylation signal of HBA2, and is predicted to reduce the efficiency of polyadenylation of the globin transcript. Other variants (e.g., c*94A>G) affecting the polyadenylation signal of HBA2 have been reported in individuals with Hb H disease and have been classified as Pathogenic by this laboratory. In summary, this variant meets criteria to be classified as pathogenic for autosomal recessive Hb H disease. ACMG/AMP Criteria applied: PM3 Very strong, PM2_supporting, PP3).

Juno Genomics, Hangzhou Juno Genomics, Inc
Classification: Pathogenic for alpha Thalassemia. Review status: criteria provided, single submitter. Criteria: ACMG Guidelines, 2015. Collection method: clinical testing. Allele origin: germline. Affected: yes. Not counted in ClinVar's aggregate classification.
Comment: Absent from controls (or at extremely low frequency if recessive) in Genome Aggregation Database, Exome Sequencing Project, 1000 Genomes Project, or Exome Aggregation Consortium.;For recessive disorders, detected in trans with a pathogenic variant.;Patient's phenotype or family history is highly specific for a disease with a single genetic etiology.

OMIM
Classification: Pathogenic for ALPHA-THALASSEMIA-2, NONDELETIONAL. Last evaluated: 1992-04-01. Review status: no assertion criteria provided. Collection method: literature only. Allele origin: germline. Not counted in ClinVar's aggregate classification.

OMIM
Classification: Pathogenic for HEMOGLOBIN H DISEASE, NONDELETIONAL. Last evaluated: 1992-04-01. Review status: no assertion criteria provided. Collection method: literature only. Allele origin: germline. Not counted in ClinVar's aggregate classification.

Literature cited by the submitters: PubMed 31273613 (cited by Natera, Inc.); PubMed 31304855 (cited by Natera, Inc.); PubMed 31755088 (cited by Natera, Inc.); PubMed 33059634 (cited by Natera, Inc.); PubMed 7701914 (cited by Quest Diagnostics Nichols Institute San Juan Capistrano); PubMed 1281602 (cited by Quest Diagnostics Nichols Institute San Juan Capistrano); PubMed 1581238 (cited by Quest Diagnostics Nichols Institute San Juan Capistrano and OMIM); PubMed 7734346 (cited by Quest Diagnostics Nichols Institute San Juan Capistrano); PubMed 11410420 (cited by Quest Diagnostics Nichols Institute San Juan Capistrano); PubMed 34272389 (cited by Quest Diagnostics Nichols Institute San Juan Capistrano); PubMed 34426522 (cited by Quest Diagnostics Nichols Institute San Juan Capistrano); PubMed 29627922 (cited by Quest Diagnostics Nichols Institute San Juan Capistrano); PubMed 31286593 (cited by Quest Diagnostics Nichols Institute San Juan Capistrano).